The following is an entry in ClinVar:

NM_002232.5(KCNA3):c.1366G>A (p.Gly456Arg)

Gene: KCNA3 (potassium voltage-gated channel subfamily A member 3; minus strand). Cytogenetic location: 1p13.3.
Variant type: single nucleotide variant.
Coding change: c.1366G>A on transcript NM_002232.5 (MANE Select); coding-DNA position 1366, G replaced by A.
Protein change: p.Gly456Arg; replaces glycine 456 with arginine.
Molecular consequence: missense variant. On other transcripts: non-coding transcript variant (1).
Genome position (GRCh38, 1-based): chr1:110,673,444, C>T on the plus strand (G>A on the coding strand, the complement: KCNA3 is on the minus strand). VCF-style: chr1-110673444-C-T. GRCh37 (hg19) VCF-style: chr1-111216066-C-T.
Other names: short protein forms G456R.
Identifiers: ClinVar variation 3359079 (VCV003359079.2).

ClinVar aggregate classification (germline): Likely pathogenic (1 of 4 stars; one submission).

Conditions:
KCNA3-associated disorder.

Submission:

Institute of Human Genetics, University of Leipzig Medical Center
Classification: Likely pathogenic for KCNA3-associated disorder. Last evaluated: 2024-09-23. Review status: criteria provided, single submitter. Criteria: ACMG Guidelines, 2015. Collection method: clinical testing. Allele origin: unknown. Inheritance: Autosomal dominant inheritance. Affected: yes.
Comment: Criteria applied: PM1,PM2,PP2,PP3